The following is an entry in ClinVar:

ClinVar aggregate classification (germline): Uncertain significance (1 of 4 stars; one submission).

Conditions:
Brown-Vialetto-van Laere syndrome 1. Also called: BROWN-VIALETTO-VAN LAERE SYNDROME 1, MILD; BULBAR PALSY, PROGRESSIVE, WITH SENSORINEURAL DEAFNESS; PONTOBULBAR PALSY WITH DEAFNESS. Identifiers: Orphanet 572550, Orphanet 97229, MedGen C0796274, MONDO:0024537, OMIM 211530.

gnomAD v4.1: 10 of 1,602,458 alleles (0.00062%); highest among the groups gnomAD compares: Non-Finnish European, 0.00085%; no homozygotes.

Submission:

Labcorp Genetics (formerly Invitae), Labcorp
Classification: Uncertain significance for Brown-Vialetto-van Laere syndrome 1. Last evaluated: 2021-09-01. Review status: criteria provided, single submitter. Criteria: Invitae Variant Classification Sherloc (09022015). Collection method: clinical testing. Allele origin: germline.
Comment: This sequence change replaces aspartic acid with glutamic acid at codon 101 of the SLC52A3 protein (p.Asp101Glu). The aspartic acid residue is weakly conserved and there is a small physicochemical difference between aspartic acid and glutamic acid. This variant is present in population databases (rs137861276, ExAC 0.003%). This variant has not been reported in the literature in individuals affected with SLC52A3-related conditions. Algorithms developed to predict the effect of missense changes on protein structure and function (SIFT, PolyPhen-2, Align-GVGD) all suggest that this variant is likely to be tolerated. Algorithms developed to predict the effect of sequence changes on RNA splicing suggest that this variant may create or strengthen a splice site. In summary, the available evidence is currently insufficient to determine the role of this variant in disease. Therefore, it has been classified as a Variant of Uncertain Significance.

NM_033409.4(SLC52A3):c.303C>A (p.Asp101Glu)

Gene: SLC52A3 (solute carrier family 52 member 3; minus strand). Cytogenetic location: 20p13.
Variant type: single nucleotide variant.
Coding change: c.303C>A on transcript NM_033409.4 (MANE Select); coding-DNA position 303, C replaced by A.
Protein change: p.Asp101Glu; replaces aspartic acid 101 with glutamic acid.
Molecular consequence: missense variant.
Genome position (GRCh38, 1-based): chr20:765,472, G>T on the plus strand (C>A on the coding strand, the complement: SLC52A3 is on the minus strand). VCF-style: chr20-765472-G-T. GRCh37 (hg19) VCF-style: chr20-746116-G-T.
Other names: c.303C>A, p.Asp101Glu (NM_001370085.1, NM_001370086.1); short protein forms D101E.
Identifiers: ClinVar variation 1058997 (VCV001058997.6), dbSNP rs137861276, ClinGen allele CA9724803.
Genomic context (GRCh38, chr20:765,472, plus strand): 5'-GGTGCAGTCCACCAGGGCCAGGAAGAAGGTGAGGACCAAGAAGGCGATGCTGTGGTGGCC[G>T]TCCAGCACCCAGGAGGTCATATTCCAGAGGAAGGCAAAGATGATGCAGGTGACGGTTCCC-3'
Protein context (NP_212134.3, residues 91-111): FLWNMTSWVL[Asp101Glu]GHHSIAFLVL